The following is an entry in ClinVar:

NM_000222.3(KIT):c.2295C>G (p.Asp765Glu)

Gene: KIT (KIT proto-oncogene, receptor tyrosine kinase; plus strand). Cytogenetic location: 4q12.
Variant type: single nucleotide variant.
Coding change: c.2295C>G on transcript NM_000222.3 (MANE Select); coding-DNA position 2295, C replaced by G.
Protein change: p.Asp765Glu; replaces aspartic acid 765 with glutamic acid.
Molecular consequence: missense variant.
Genome position (GRCh38, 1-based): chr4:54,731,932, C>G. VCF-style: chr4-54731932-C-G. GRCh37 (hg19) VCF-style: chr4-55598098-C-G.
Other names: c.2283C>G, p.Asp761Glu (NM_001093772.2, NM_001385292.1); c.2298C>G, p.Asp766Glu (NM_001385284.1); c.2292C>G, p.Asp764Glu (NM_001385285.1); c.2280C>G, p.Asp760Glu (NM_001385286.1); c.2286C>G, p.Asp762Glu (NM_001385288.1); c.2295C>G, p.Asp765Glu (NM_001385290.1); c.2295C>G (NM_000222.2); short protein forms D760E, D761E, D762E, D764E, D765E, D766E.
Identifiers: ClinVar variation 1060636 (VCV001060636.10), dbSNP rs1398046219, ClinGen allele CA356910942.

ClinVar aggregate classification (germline): Uncertain significance. Review status: criteria provided, multiple submitters, no conflicts (2 of 4 stars). 2 submissions from 2 submitters: Uncertain significance (2). Last evaluated 2026-01-20.

Conditions:
Gastrointestinal stromal tumor. Also called: Gastrointestinal stromal tumor, somatic; Gastrointestinal stroma tumor. Identifiers: Orphanet 44890, MedGen C0238198, MeSH D046152, MONDO:0011719, OMIM 606764, HP:0100723.
Hereditary cancer-predisposing syndrome. Also called: Tumor predisposition; Neoplastic Syndromes, Hereditary; Hereditary neoplastic syndrome; Hereditary Cancer Syndrome. Identifiers: Orphanet 140162, MedGen C0027672, MeSH D009386, MONDO:0015356.

Submissions (2):

Ambry Genetics
Classification: Uncertain significance for Hereditary cancer-predisposing syndrome. Last evaluated: 2026-01-20. Review status: criteria provided, single submitter. Criteria: Ambry Variant Classification Scheme 2023. Collection method: clinical testing. Allele origin: germline.
Comment: The p.D765E variant (also known as c.2295C>G), located in coding exon 16 of the KIT gene, results from a C to G substitution at nucleotide position 2295. The aspartic acid at codon 765 is replaced by glutamic acid, an amino acid with highly similar properties. This amino acid position is conserved. In addition, this alteration is predicted to be tolerated by in silico analysis. Based on the available evidence, the clinical significance of this variant remains unclear.

Labcorp Genetics (formerly Invitae), Labcorp
Classification: Uncertain significance for Gastrointestinal stromal tumor. Last evaluated: 2022-12-05. Review status: criteria provided, single submitter. Criteria: Invitae Variant Classification Sherloc (09022015). Collection method: clinical testing. Allele origin: germline.
Comment: ClinVar contains an entry for this variant (Variation ID: 1060636). In summary, the available evidence is currently insufficient to determine the role of this variant in disease. Therefore, it has been classified as a Variant of Uncertain Significance. Algorithms developed to predict the effect of missense changes on protein structure and function are either unavailable or do not agree on the potential impact of this missense change (SIFT: "Deleterious"; PolyPhen-2: "Benign"; Align-GVGD: "Class C35"). This variant has not been reported in the literature in individuals affected with KIT-related conditions. This variant is not present in population databases (gnomAD no frequency). This sequence change replaces aspartic acid, which is acidic and polar, with glutamic acid, which is acidic and polar, at codon 765 of the KIT protein (p.Asp765Glu).